The following is an entry in ClinVar:

ClinVar aggregate classification (germline): Pathogenic (0 of 4 stars; one submission).

Conditions:
Fanconi anemia complementation group A (FANCA). Also called: Fanconi anemia, group A; FANCA-Related Fanconi Anemia. Identifiers: Orphanet 84, MedGen C3469521, MONDO:0009215, OMIM 227650.

Submission:

Leiden Open Variation Database
Classification: Pathogenic for Fanconi anemia complementation group A. Last evaluated: 2020-02-28. Review status: no assertion criteria provided. Collection method: curation. Allele origin: germline. Affected: yes.
Comment: Curator: Arleen D. Auerbach. Submitters to LOVD: Arleen D. Auerbach, Sue Richards.

Literature cited by the submitters: PubMed 10094191; PubMed 15522956.

NC_000016.10:g.(89784965_89791402)_(89796019_89799165)del

Gene: FANCA (FA complementation group A; minus strand). Cytogenetic location: 16q24.3.
Variant type: Deletion.
Identifiers: ClinVar variation 974208 (VCV000974208.1).